The following is an entry in ClinVar:

ClinVar aggregate classification (germline): Uncertain significance (1 of 4 stars; one submission).

Conditions:
Breast-ovarian cancer, familial, susceptibility to, 4. Identifiers: Orphanet 145, MedGen C3280345, MONDO:0013669, OMIM 614291.

Submission:

Labcorp Genetics (formerly Invitae), Labcorp
Classification: Uncertain significance for Breast-ovarian cancer, familial, susceptibility to, 4. Last evaluated: 2023-01-12. Review status: criteria provided, single submitter. Criteria: Invitae Variant Classification Sherloc (09022015). Collection method: clinical testing. Allele origin: germline.
Comment: This variant is not present in population databases (gnomAD no frequency). This sequence change replaces leucine, which is neutral and non-polar, with histidine, which is basic and polar, at codon 146 of the RAD51D protein (p.Leu146His). This variant has not been reported in the literature in individuals affected with RAD51D-related conditions. In summary, the available evidence is currently insufficient to determine the role of this variant in disease. Therefore, it has been classified as a Variant of Uncertain Significance. Advanced modeling of protein sequence and biophysical properties (such as structural, functional, and spatial information, amino acid conservation, physicochemical variation, residue mobility, and thermodynamic stability) performed at Invitae indicates that this missense variant is expected to disrupt RAD51D protein function. ClinVar contains an entry for this variant (Variation ID: 648875).

NM_002878.4(RAD51D):c.437T>A (p.Leu146His)

Genes: RAD51D (RAD51 paralog D; minus strand), RAD51L3-RFFL (RAD51L3-RFFL readthrough; minus strand). Cytogenetic location: 17q12.
Variant type: single nucleotide variant.
Coding change: c.437T>A on transcript NM_002878.4 (MANE Select); coding-DNA position 437, T replaced by A.
Protein change: p.Leu146His; replaces leucine 146 with histidine.
Molecular consequence: missense variant. On other transcripts: non-coding transcript variant (1), intron variant (1).
Genome position (GRCh38, 1-based): chr17:35,107,031, A>T on the plus strand (T>A on the coding strand, the complement: RAD51D is on the minus strand). VCF-style: chr17-35107031-A-T. GRCh37 (hg19) VCF-style: chr17-33434050-A-T.
Other names: c.497T>A, p.Leu166His (NM_001142571.2); c.145-550T>A (NM_133629.3); short protein forms L166H, L146H.
Identifiers: ClinVar variation 648875 (VCV000648875.5), dbSNP rs1597862557, ClinGen allele CA399089234.
Genomic context (GRCh38, chr17:35,107,031, plus strand): 5'-CAGCATCCTGCCCTTACCTGTTCCTCCTCATCCTGGGTTTTAGCCTGAAGCAGCTGGAGG[A>T]GGCGGGAAGCTGTCAGCCCTCCATTGGAATCTACATATAGGACGTTTTGCTGCAGGCCAT-3'
Protein context (NP_002869.3, residues 136-156): DSNGGLTASR[Leu146His]LQLLQAKTQD